The following is an entry in ClinVar:

NM_182972.3(IRF2BP2):c.712C>A (p.Pro238Thr)

Genes: IRF2BP2 (interferon regulatory factor 2 binding protein 2; minus strand), LOC129932811 (ATAC-STARR-seq lymphoblastoid silent region 1976; plus strand). Cytogenetic location: 1q42.3.
Variant type: single nucleotide variant.
Coding change: c.712C>A on transcript NM_182972.3 (MANE Select); coding-DNA position 712, C replaced by A.
Protein change: p.Pro238Thr; replaces proline 238 with threonine.
Molecular consequence: missense variant.
Genome position (GRCh38, 1-based): chr1:234,608,783, G>T on the plus strand (C>A on the coding strand, the complement: IRF2BP2 is on the minus strand). VCF-style: chr1-234608783-G-T. GRCh37 (hg19) VCF-style: chr1-234744529-G-T.
Other names: c.712C>A (NM_182972.2); c.712C>A, p.Pro238Thr (NM_001077397.1); short protein forms P238T.
Identifiers: ClinVar variation 1599170 (VCV001599170.27), dbSNP rs528788036, ClinGen allele CA1461790.

ClinVar aggregate classification (germline): Benign/Likely benign. Review status: criteria provided, multiple submitters, no conflicts (2 of 4 stars). 4 submissions from 4 submitters: Benign (1); Likely benign (2). 1 of the submissions does not count toward it. Last evaluated 2025-12-23.

Conditions:
IRF2BP2-related disorder. Also called: IRF2BP2-related condition.

Allele frequency attached by ClinVar (database versions not stated): gnomAD exomes 0.00286; gnomAD 0.00011; 1000 Genomes Project 0.00140; 1000 Genomes Project 30x 0.00156.
gnomAD v4.1: 1,005 of 1,441,850 alleles (0.07%); highest among the groups gnomAD compares: South Asian, 1%; 9 homozygotes.

Submissions (4):

Labcorp Genetics (formerly Invitae), Labcorp
Classification: Benign. Last evaluated: 2025-12-23. Review status: criteria provided, single submitter. Criteria: Invitae Variant Classification Sherloc (09022015). Collection method: clinical testing. Allele origin: germline.

CeGaT Center for Human Genetics Tuebingen
Classification: Likely benign. Last evaluated: 2025-08-01. Review status: criteria provided, single submitter. Criteria: CeGaT Center For Human Genetics Tuebingen Variant Classification Criteria Version 2. Collection method: clinical testing. Allele origin: germline. Affected: yes. Observed: 2 variant alleles.
Comment: IRF2BP2: BS1

Blueprint Genetics
Classification: Likely benign. Last evaluated: 2024-09-20. Review status: criteria provided, single submitter. Criteria: ACMG Guidelines, 2015. Collection method: clinical testing. Allele origin: germline.

PreventionGenetics, part of Exact Sciences
Classification: Benign for IRF2BP2-related condition. Last evaluated: 2024-08-06. Review status: no assertion criteria provided. Collection method: clinical testing. Allele origin: germline. Not counted in ClinVar's aggregate classification.
Comment: This variant is classified as benign based on ACMG/AMP sequence variant interpretation guidelines (Richards et al. 2015 PMID: 25741868, with internal and published modifications).